The following is an entry in ClinVar:

ClinVar aggregate classification (germline): Uncertain significance (1 of 4 stars; one submission).

Conditions:
Nephronophthisis 18 (NPHP18). Identifiers: Orphanet 655, MedGen C3890591, MONDO:0014374, OMIM 615862.

Allele frequency attached by ClinVar (database versions not stated): gnomAD exomes below 0.00001.
gnomAD v4.1: 1 of 1,612,820 alleles (0.000062%); highest among the groups gnomAD compares: South Asian, 0.0011%; no homozygotes.

Submission:

Labcorp Genetics (formerly Invitae), Labcorp
Classification: Uncertain significance for Nephronophthisis 18. Last evaluated: 2022-10-13. Review status: criteria provided, single submitter. Criteria: Invitae Variant Classification Sherloc (09022015). Collection method: clinical testing. Allele origin: germline.
Comment: Algorithms developed to predict the effect of missense changes on protein structure and function are either unavailable or do not agree on the potential impact of this missense change (SIFT: "Not Available"; PolyPhen-2: "Benign"; Align-GVGD: "Not Available"). This sequence change replaces lysine, which is basic and polar, with arginine, which is basic and polar, at codon 680 of the CEP83 protein (p.Lys680Arg). This variant is not present in population databases (gnomAD no frequency). This variant has not been reported in the literature in individuals affected with CEP83-related conditions. ClinVar contains an entry for this variant (Variation ID: 1468027). Algorithms developed to predict the effect of sequence changes on RNA splicing suggest that this variant may create or strengthen a splice site. In summary, the available evidence is currently insufficient to determine the role of this variant in disease. Therefore, it has been classified as a Variant of Uncertain Significance.

NM_016122.3(CEP83):c.2039A>G (p.Lys680Arg)

Gene: CEP83 (centrosomal protein 83; minus strand). Cytogenetic location: 12q22.
Variant type: single nucleotide variant.
Coding change: c.2039A>G on transcript NM_016122.3 (MANE Select); coding-DNA position 2039, A replaced by G.
Protein change: p.Lys680Arg; replaces lysine 680 with arginine.
Molecular consequence: missense variant. On other transcripts: non-coding transcript variant (2).
Genome position (GRCh38, 1-based): chr12:94,308,880, T>C on the plus strand (A>G on the coding strand, the complement: CEP83 is on the minus strand). VCF-style: chr12-94308880-T-C. GRCh37 (hg19) VCF-style: chr12-94702656-T-C.
Other names: c.2039A>G, p.Lys680Arg (NM_001042399.2, NM_001346457.2, NM_001368037.1 and 1 more transcripts); c.1727A>G, p.Lys576Arg (NM_001346458.2, NM_001346459.2, NM_001368039.1 and 1 more transcripts); c.1814A>G, p.Lys605Arg (NM_001368041.1); short protein forms K680R, K605R, K576R.
Identifiers: ClinVar variation 1468027 (VCV001468027.6), dbSNP rs2136266090, ClinGen allele CA386046080.
Genomic context (GRCh38, chr12:94,308,880, plus strand): 5'-CCGGAAGATCCAAGTTCCTCTAGTTGTTTTCTTTGTGTTGTTTCCAGTTCTTCTAGTCTT[T>C]TGCGAAGTAGAGAGAGTTCCCTTTGATGTTGTTCCTCCTTAAAATGATGTAGAGAAAGCA-3'
Protein context (NP_057206.2, residues 670-690): QHQRELSLLR[Lys680Arg]RLEELETTQR